The following is an entry in ClinVar:

NM_173598.6(KSR2):c.1931G>C (p.Ser644Thr)

Gene: KSR2 (kinase suppressor of ras 2; minus strand). Cytogenetic location: 12q24.22.
Variant type: single nucleotide variant.
Coding change: c.1931G>C on transcript NM_173598.6 (MANE Select); coding-DNA position 1931, G replaced by C.
Protein change: p.Ser644Thr; replaces serine 644 with threonine.
Molecular consequence: missense variant.
Genome position (GRCh38, 1-based): chr12:117,525,140, C>G on the plus strand (G>C on the coding strand, the complement: KSR2 is on the minus strand). VCF-style: chr12-117525140-C-G. GRCh37 (hg19) VCF-style: chr12-117962945-C-G.
Other names: short protein forms S644T.
Identifiers: ClinVar variation 5001505 (VCV005001505.1).

ClinVar aggregate classification (germline): Uncertain significance (1 of 4 stars; one submission).

Conditions:
KSR2-related disorder. Also called: KSR2-related condition.

Submission:

PreventionGenetics, part of Exact Sciences
Classification: Uncertain significance for KSR2-related condition. Last evaluated: 2025-02-15. Review status: criteria provided, single submitter. Criteria: ACMG Guidelines, 2015. Collection method: clinical testing. Allele origin: germline.
Comment: The KSR2 c.1844G>C variant is predicted to result in the amino acid substitution p.Ser615Thr. To our knowledge, this variant has not been reported in the literature or in a large population database (gnomAD), indicating this variant is rare. At this time, the clinical significance of this variant is uncertain due to the absence of conclusive functional and genetic evidence.